The following is an entry in ClinVar:

ClinVar aggregate classification (germline): Uncertain significance (1 of 4 stars; one submission).

Allele frequency attached by ClinVar (database versions not stated): TOPMed 0.00001.
gnomAD v4.1: 1 of 1,614,210 alleles (0.000062%); highest among the groups gnomAD compares: Admixed American, 0.0017%; no homozygotes.

Submission:

Labcorp Genetics (formerly Invitae), Labcorp
Classification: Uncertain significance. Last evaluated: 2025-10-02. Review status: criteria provided, single submitter. Criteria: Invitae Variant Classification Sherloc (09022015). Collection method: clinical testing. Allele origin: germline.
Comment: This sequence change replaces glycine, which is neutral and non-polar, with arginine, which is basic and polar, at codon 178 of the FAT2 protein (p.Gly178Arg). This variant is present in population databases (no rsID available, gnomAD 0.003%). This variant has not been reported in the literature in individuals affected with FAT2-related conditions. ClinVar contains an entry for this variant (Variation ID: 2881015). An algorithm developed to predict the effect of missense changes on protein structure and function (PolyPhen-2) suggests that this variant is likely to be disruptive. In summary, the available evidence is currently insufficient to determine the role of this variant in disease. Therefore, it has been classified as a Variant of Uncertain Significance.

NM_001447.3(FAT2):c.532G>C (p.Gly178Arg)

Gene: FAT2 (FAT atypical cadherin 2; minus strand). Cytogenetic location: 5q33.1.
Variant type: single nucleotide variant.
Coding change: c.532G>C on transcript NM_001447.3 (MANE Select); coding-DNA position 532, G replaced by C.
Protein change: p.Gly178Arg; replaces glycine 178 with arginine.
Molecular consequence: missense variant.
Genome position (GRCh38, 1-based): chr5:151,568,400, C>G on the plus strand (G>C on the coding strand, the complement: FAT2 is on the minus strand). VCF-style: chr5-151568400-C-G. GRCh37 (hg19) VCF-style: chr5-150947961-C-G.
Other names: short protein forms G178R.
Identifiers: ClinVar variation 2881015 (VCV002881015.3), dbSNP rs1335987146, ClinGen allele CA361816930.